The following is an entry in ClinVar:

NM_000152.5(GAA):c.364A>G (p.Met122Val)

Gene: GAA (alpha glucosidase; plus strand). Cytogenetic location: 17q25.3.
Variant type: single nucleotide variant.
Coding change: c.364A>G on transcript NM_000152.5 (MANE Select); coding-DNA position 364, A replaced by G.
Protein change: p.Met122Val; replaces methionine 122 with valine.
Molecular consequence: missense variant.
Genome position (GRCh38, 1-based): chr17:80,104,950, A>G. VCF-style: chr17-80104950-A-G. GRCh37 (hg19) VCF-style: chr17-78078749-A-G.
Other names: c.364A>G, p.Met122Val (NM_001079803.3, NM_001079804.3); short protein forms M122V.
Identifiers: ClinVar variation 1045584 (VCV001045584.10), dbSNP rs2039040448, ClinGen allele CA401360899.

ClinVar aggregate classification (germline): Conflicting classifications of pathogenicity. Review status: criteria provided, conflicting classifications (1 of 4 stars). 2 submissions from 2 submitters: Likely pathogenic (1); Uncertain significance (1). Last evaluated 2026-07-01.

Conditions:
Glycogen storage disease, type II (IOPD). Also called: CARDIOMEGALIA GLYCOGENICA DIFFUSA; GLYCOGENOSIS, GENERALIZED, CARDIAC FORM; GSD II; Glycogen storage disease type 2; Acid maltase deficiency disease; Aglucosidase alfa. Identifiers: Orphanet 365, MedGen C0017921, MONDO:0009290, OMIM 232300.

Allele frequency attached by ClinVar (database versions not stated): gnomAD 0.00001; gnomAD exomes below 0.00001; TOPMed below 0.00001.

Submissions (2):

Genomenon, Inc
Classification: Uncertain significance for Glycogen storage disease, type II. Last evaluated: 2026-07-01. Review status: criteria provided, single submitter. Criteria: Genomenon Sequence Variant Interpretation Standards - Updated. Collection method: curation. Allele origin: germline. Affected: yes.
Comment: GAA p.Met122Val (c.364A>G) is a missense variant that changes the amino acid at codon 122 from Methionine to Valine. This variant has been observed in at least one proband with a GAA-related disorder in the compound heterozygous and/or homozygous state (PMID:27417441;29803406;34852371). It is absent or not present at a significant frequency in gnomAD. In silico models predict that this variant is not damaging. In conclusion, we classify GAA p.Met122Val (c.364A>G) as a variant of uncertain significance.

Labcorp Genetics (formerly Invitae), Labcorp
Classification: Likely pathogenic for Glycogen storage disease, type II. Last evaluated: 2024-03-11. Review status: criteria provided, single submitter. Criteria: Invitae Variant Classification Sherloc (09022015). Collection method: clinical testing. Allele origin: germline.
Comment: This sequence change replaces methionine, which is neutral and non-polar, with valine, which is neutral and non-polar, at codon 122 of the GAA protein (p.Met122Val). This variant is not present in population databases (gnomAD no frequency). This missense change has been observed in individual(s) with Pompe disease (PMID: 26253708, 34852371). In at least one individual the data is consistent with being in trans (on the opposite chromosome) from a pathogenic variant. ClinVar contains an entry for this variant (Variation ID: 1045584). Advanced modeling of protein sequence and biophysical properties (such as structural, functional, and spatial information, amino acid conservation, physicochemical variation, residue mobility, and thermodynamic stability) performed at Invitae indicates that this missense variant is not expected to disrupt GAA protein function with a negative predictive value of 95%. This variant disrupts the p.Met122 amino acid residue in GAA. Other variant(s) that disrupt this residue have been observed in individuals with GAA-related conditions (PMID: 23465405, 26253708, 34852371), which suggests that this may be a clinically significant amino acid residue. In summary, the currently available evidence indicates that the variant is pathogenic, but additional data are needed to prove that conclusively. Therefore, this variant has been classified as Likely Pathogenic.

Literature cited by the submitters: PubMed 27417441 (cited by Genomenon, Inc); PubMed 29803406 (cited by Genomenon, Inc); PubMed 34852371 (cited by Genomenon, Inc and Labcorp Genetics (formerly Invitae), Labcorp); PubMed 26253708 (cited by Labcorp Genetics (formerly Invitae), Labcorp); PubMed 23465405 (cited by Labcorp Genetics (formerly Invitae), Labcorp).